The following is an entry in ClinVar:

NM_001041.4(SI):c.2369A>G (p.His790Arg)

Gene: SI (sucrase-isomaltase; minus strand). Cytogenetic location: 3q26.1.
Variant type: single nucleotide variant.
Coding change: c.2369A>G on transcript NM_001041.4 (MANE Select); coding-DNA position 2369, A replaced by G.
Protein change: p.His790Arg; replaces histidine 790 with arginine.
Molecular consequence: missense variant.
Genome position (GRCh38, 1-based): chr3:165,037,957, T>C on the plus strand (A>G on the coding strand, the complement: SI is on the minus strand). VCF-style: chr3-165037957-T-C. GRCh37 (hg19) VCF-style: chr3-164755745-T-C.
Other names: short protein forms H790R.
Identifiers: ClinVar variation 2182047 (VCV002182047.2), dbSNP rs149382090, ClinGen allele CA2690720.
Genomic context (GRCh38, chr3:165,037,957, plus strand): 5'-TACCTTGCTGTTGTTGTTACATCTGGTTCTTGAATGGGGATGATATAACCTCCTCTAAGA[T>C]GTAATCCTATTTTGTCTGCTGGAAGATACATATCAACCCGTTGTTTCCTCCATGGCCTTT-3'
Protein context (NP_001032.2, residues 780-800): MYLPADKIGL[His790Arg]LRGGYIIPIQ

ClinVar aggregate classification (germline): Uncertain significance. Review status: criteria provided, multiple submitters, no conflicts (2 of 4 stars). 2 submissions from 2 submitters: Uncertain significance (2). Last evaluated 2024-02-29.

Conditions:
Sucrase-isomaltase deficiency (CSID). Also called: SI DEFICIENCY; Congenital sucrose isomaltose malabsorption; Sucrose isomaltose enzyme deficiency; Deficiency of isomaltase. Identifiers: Orphanet 35122, MedGen C1283620, MONDO:0009114, OMIM 222900.

Allele frequency attached by ClinVar (database versions not stated): ExAC 0.00003; gnomAD 0.00005; TOPMed 0.00005; ESP Exome Variant Server 0.00008; gnomAD exomes 0.00011.
gnomAD v4.1: 167 of 1,611,644 alleles (0.01%); highest among the groups gnomAD compares: Non-Finnish European, 0.014%; 1 homozygote.

Submissions (2):

Fulgent Genetics
Classification: Uncertain significance for Sucrase-isomaltase deficiency. Last evaluated: 2024-02-29. Review status: criteria provided, single submitter. Criteria: ACMG Guidelines, 2015. Collection method: clinical testing. Allele origin: germline.

Labcorp Genetics (formerly Invitae), Labcorp
Classification: Uncertain significance. Last evaluated: 2022-02-06. Review status: criteria provided, single submitter. Criteria: Invitae Variant Classification Sherloc (09022015). Collection method: clinical testing. Allele origin: germline.
Comment: This sequence change replaces histidine, which is basic and polar, with arginine, which is basic and polar, at codon 790 of the SI protein (p.His790Arg). This variant is present in population databases (rs149382090, gnomAD 0.008%). This variant has not been reported in the literature in individuals affected with SI-related conditions. Advanced modeling of protein sequence and biophysical properties (such as structural, functional, and spatial information, amino acid conservation, physicochemical variation, residue mobility, and thermodynamic stability) performed at Invitae indicates that this missense variant is expected to disrupt SI protein function. In summary, the available evidence is currently insufficient to determine the role of this variant in disease. Therefore, it has been classified as a Variant of Uncertain Significance.